The following is an entry in ClinVar:

ClinVar aggregate classification (germline): Uncertain significance. Review status: criteria provided, multiple submitters, no conflicts (2 of 4 stars). 2 submissions from 2 submitters: Uncertain significance (2). Last evaluated 2025-12-08.

Conditions:
Exudative vitreoretinopathy 4 (EVR4). Identifiers: Orphanet 891, MedGen C1866176, MONDO:0011151, OMIM 601813.
Osteoporosis with pseudoglioma (OPPG). Also called: osteoporosis-pseudoglioma syndrome. Identifiers: Orphanet 2788, MedGen C0432252, MONDO:0009820, OMIM 259770.
Autosomal dominant osteopetrosis 1 (OPTA1). Also called: OSTEOPETROSIS, AUTOSOMAL DOMINANT, TYPE I. Identifiers: Orphanet 2783, MedGen C1843330, MONDO:0011877, OMIM 607634.
Bone mineral density quantitative trait locus 1 (BMND1). Identifiers: MedGen C1866079, OMIM 601884.
Worth disease. Also called: Autosomal dominant osteosclerosis, Worth type; ENDOSTEAL HYPEROSTOSIS, AUTOSOMAL DOMINANT; OSTEOSCLEROSIS, AUTOSOMAL DOMINANT. Identifiers: Orphanet 2790, MedGen C0432273, MONDO:0007764, OMIM 144750.
Polycystic liver disease 4 with or without kidney cysts. Identifiers: MedGen C4693479, MONDO:0044327, OMIM 617875.

Allele frequency attached by ClinVar (database versions not stated): gnomAD 0.00001 and 0.00002; gnomAD exomes 0.00002; TOPMed 0.00002; ExAC 0.00003.
gnomAD v4.1: 23 of 1,612,568 alleles (0.0014%); highest among the groups gnomAD compares: South Asian, 0.011%; no homozygotes.

Submissions (2):

Labcorp Genetics (formerly Invitae), Labcorp
Classification: Uncertain significance. Last evaluated: 2025-12-08. Review status: criteria provided, single submitter. Criteria: Invitae Variant Classification Sherloc (09022015). Collection method: clinical testing. Allele origin: germline.
Comment: This sequence change replaces arginine, which is basic and polar, with glutamine, which is neutral and polar, at codon 1307 of the LRP5 protein (p.Arg1307Gln). This variant is present in population databases (rs760090713, gnomAD 0.01%). This variant has not been reported in the literature in individuals affected with LRP5-related conditions. ClinVar contains an entry for this variant (Variation ID: 955977). Invitae Evidence Modeling of protein sequence and biophysical properties (such as structural, functional, and spatial information, amino acid conservation, physicochemical variation, residue mobility, and thermodynamic stability) indicates that this missense variant is not expected to disrupt LRP5 protein function with a negative predictive value of 95%. In summary, the available evidence is currently insufficient to determine the role of this variant in disease. Therefore, it has been classified as a Variant of Uncertain Significance.

Fulgent Genetics
Classification: Uncertain significance for Worth disease; Osteoporosis with pseudoglioma; Exudative vitreoretinopathy 4; Bone mineral density quantitative trait locus 1; Autosomal dominant osteopetrosis 1; Polycystic liver disease 4 with or without kidney cysts. Last evaluated: 2023-12-25. Review status: criteria provided, single submitter. Criteria: ACMG Guidelines, 2015. Collection method: clinical testing. Allele origin: germline.

NM_002335.4(LRP5):c.3920G>A (p.Arg1307Gln)

Gene: LRP5 (LDL receptor related protein 5; plus strand). Cytogenetic location: 11q13.2.
Variant type: single nucleotide variant.
Coding change: c.3920G>A on transcript NM_002335.4 (MANE Select); coding-DNA position 3920, G replaced by A.
Protein change: p.Arg1307Gln; replaces arginine 1307 with glutamine.
Molecular consequence: missense variant.
Genome position (GRCh38, 1-based): chr11:68,433,758, G>A. VCF-style: chr11-68433758-G-A. GRCh37 (hg19) VCF-style: chr11-68201226-G-A.
Other names: c.2177G>A, p.Arg726Gln (NM_001291902.2); short protein forms R1307Q, R726Q.
Identifiers: ClinVar variation 955977 (VCV000955977.12), dbSNP rs760090713, ClinGen allele CA6150158.